The following is an entry in ClinVar:

ClinVar aggregate classification (germline): Likely pathogenic (1 of 4 stars; one submission).

Conditions:
Hypogonadotropic hypogonadism 5 with or without anosmia (KAL5). Also called: HYPOGONADOTROPIC HYPOGONADISM 5 WITH ANOSMIA; HYPOGONADOTROPHIC HYPOGONADISM 5 WITHOUT ANOSMIA; CHD7-Related GnRH Deficiency (Kallmann Syndrome 5). Identifiers: Orphanet 478, MedGen C3552553, MONDO:0012880, OMIM 612370. Disease mechanism: loss of function.

Submission:

Dubai Health Genomic Medicine Center, Dubai Health
Classification: Likely pathogenic for Hypogonadotropic hypogonadism 5 with or without anosmia. Last evaluated: 2024-10-04. Review status: criteria provided, single submitter. Criteria: ACMG Guidelines, 2015. Collection method: research. Allele origin: germline. Affected: yes.
Comment: PVS1,PM2,PM6

NM_017780.4(CHD7):c.6609del (p.Ser2203fs)

Gene: CHD7 (chromodomain helicase DNA binding protein 7; plus strand). Cytogenetic location: 8q12.2.
Variant type: Deletion.
Coding change: c.6609del on transcript NM_017780.4 (MANE Select); coding-DNA position 6609, one base deleted (C; older notation c.6609delC).
Protein change: p.Ser2203fs; shifts the reading frame from serine 2203.
Molecular consequence: frameshift variant. On other transcripts: intron variant (1).
Genome position (GRCh38, 1-based): chr8:60,853,334, C deleted. VCF-style (leftmost placement, unchanged base first): chr8-60853333-GC-G. GRCh37 (hg19) VCF-style: chr8-61765892-GC-G.
Other names: c.1717-8895del (NM_001316690.1); short protein forms S2203fs.
Identifiers: ClinVar variation 3384122 (VCV003384122.1).